The following is an entry in ClinVar:

ClinVar aggregate classification (germline): Uncertain significance (1 of 4 stars; one submission).

Submission:

Labcorp Genetics (formerly Invitae), Labcorp
Classification: Uncertain significance. Last evaluated: 2024-10-24. Review status: criteria provided, single submitter. Criteria: Invitae Variant Classification Sherloc (09022015). Collection method: clinical testing. Allele origin: germline.
Comment: This sequence change replaces phenylalanine, which is neutral and non-polar, with leucine, which is neutral and non-polar, at codon 1528 of the LRRK1 protein (p.Phe1528Leu). This variant is not present in population databases (gnomAD no frequency). This variant has not been reported in the literature in individuals affected with LRRK1-related conditions. ClinVar contains an entry for this variant (Variation ID: 1491913). An algorithm developed to predict the effect of missense changes on protein structure and function (PolyPhen-2) suggests that this variant is likely to be tolerated. In summary, the available evidence is currently insufficient to determine the role of this variant in disease. Therefore, it has been classified as a Variant of Uncertain Significance.

NM_024652.6(LRRK1):c.4584C>G (p.Phe1528Leu)

Genes: LRRK1 (leucine rich repeat kinase 1; plus strand), LRRK1-AS1 (LRRK1 antisense RNA 1; minus strand). Cytogenetic location: 15q26.3.
Variant type: single nucleotide variant.
Coding change: c.4584C>G on transcript NM_024652.6 (MANE Select); coding-DNA position 4584, C replaced by G.
Protein change: p.Phe1528Leu; replaces phenylalanine 1528 with leucine.
Molecular consequence: missense variant.
Genome position (GRCh38, 1-based): chr15:101,058,046, C>G. VCF-style: chr15-101058046-C-G. GRCh37 (hg19) VCF-style: chr15-101598251-C-G.
Other names: short protein forms F1528L.
Identifiers: ClinVar variation 1491913 (VCV001491913.6), dbSNP rs2141146629, ClinGen allele CA393955548.